The following is an entry in ClinVar:

NM_003001.5(SDHC):c.200T>A (p.Met67Lys)

Gene: SDHC (succinate dehydrogenase complex subunit C; plus strand). Cytogenetic location: 1q23.3.
Variant type: single nucleotide variant.
Coding change: c.200T>A on transcript NM_003001.5 (MANE Select); coding-DNA position 200, T replaced by A.
Protein change: p.Met67Lys; replaces methionine 67 with lysine.
Molecular consequence: missense variant.
Genome position (GRCh38, 1-based): chr1:161,340,614, T>A. VCF-style: chr1-161340614-T-A. GRCh37 (hg19) VCF-style: chr1-161310404-T-A.
Other names: c.200T>A, p.Met67Lys (NM_001035511.3); c.98T>A, p.Met33Lys (NM_001035512.3, NM_001278172.3, NM_001407118.1); c.41T>A, p.Met14Lys (NM_001035513.3); c.320T>A, p.Met107Lys (NM_001407115.1); c.143T>A, p.Met48Lys (NM_001407116.1, NM_001407117.1, NM_001407121.1); c.89T>A, p.Met30Lys (NM_001407119.1, NM_001407120.1); short protein forms M67K, M14K, M33K, M48K, M107K, M30K.
Identifiers: ClinVar variation 1038690 (VCV001038690.14), dbSNP rs1287584713, ClinGen allele CA343365791.

ClinVar aggregate classification (germline): Uncertain significance. Review status: criteria provided, multiple submitters, no conflicts (2 of 4 stars). 3 submissions from 3 submitters: Uncertain significance (3). Last evaluated 2025-01-06.

Conditions:
Hereditary pheochromocytoma and paraganglioma. Also called: Hereditary paragangliomas and pheochromocytomas; Hereditary Paraganglioma-Pheochromocytoma Syndromes; Hereditary pheochromocytoma-paraganglioma. Identifiers: Orphanet 29072, MedGen C4274332, MONDO:0017366.
Gastrointestinal stromal tumor. Also called: Gastrointestinal stromal tumor, somatic; Gastrointestinal stroma tumor. Identifiers: Orphanet 44890, MedGen C0238198, MeSH D046152, MONDO:0011719, OMIM 606764, HP:0100723.
Pheochromocytoma/paraganglioma syndrome 3. Also called: GLOMUS TUMORS, FAMILIAL, 3; SDHC-Related Hereditary Paraganglioma-Pheochromocytoma Syndrome (Paragangliomas 3); Paragangliomas 3; SDHC-Related Hereditary Paraganglioma-Pheochromocytoma Syndrome. Identifiers: Orphanet 29072, MedGen C1854336, MONDO:0011544, OMIM 605373.
Hereditary cancer-predisposing syndrome. Also called: Tumor predisposition; Neoplastic Syndromes, Hereditary; Hereditary neoplastic syndrome; Hereditary Cancer Syndrome. Identifiers: Orphanet 140162, MedGen C0027672, MeSH D009386, MONDO:0015356.

gnomAD v4.1: 1 of 1,613,972 alleles (0.000062%); highest among the groups gnomAD compares: Non-Finnish European, 0.000085%; no homozygotes.

Submissions (3):

Ambry Genetics
Classification: Uncertain significance for Hereditary cancer-predisposing syndrome. Last evaluated: 2025-01-06. Review status: criteria provided, single submitter. Criteria: Ambry Variant Classification Scheme 2023. Collection method: clinical testing. Allele origin: germline.
Comment: The p.M67K variant (also known as c.200T>A), located in coding exon 4 of the SDHC gene, results from a T to A substitution at nucleotide position 200. The methionine at codon 67 is replaced by lysine, an amino acid with similar properties. This amino acid position is highly conserved in available vertebrate species. In addition, this alteration is predicted to be deleterious by in silico analysis. Based on the available evidence, the clinical significance of this variant remains unclear.

Labcorp Genetics (formerly Invitae), Labcorp
Classification: Uncertain significance for Pheochromocytoma/paraganglioma syndrome 3; Gastrointestinal stromal tumor. Last evaluated: 2024-06-04. Review status: criteria provided, single submitter. Criteria: Invitae Variant Classification Sherloc (09022015). Collection method: clinical testing. Allele origin: germline.
Comment: This sequence change replaces methionine, which is neutral and non-polar, with lysine, which is basic and polar, at codon 67 of the SDHC protein (p.Met67Lys). This variant is not present in population databases (gnomAD no frequency). This missense change has been observed in individual(s) with paraganglioma-pheochromocytoma syndromes (Invitae). ClinVar contains an entry for this variant (Variation ID: 1038690). An algorithm developed to predict the effect of missense changes on protein structure and function (PolyPhen-2) suggests that this variant is likely to be disruptive. This variant disrupts the p.Met67 amino acid residue in SDHC. Other variant(s) that disrupt this residue have been observed in individuals with SDHC-related conditions (PMID: 30050099), which suggests that this may be a clinically significant amino acid residue. In summary, the available evidence is currently insufficient to determine the role of this variant in disease. Therefore, it has been classified as a Variant of Uncertain Significance.

All of Us Research Program, National Institutes of Health
Classification: Uncertain significance for Hereditary pheochromocytoma and paraganglioma. Last evaluated: 2024-01-11. Review status: criteria provided, single submitter. Criteria: ACMG Guidelines, 2015. Collection method: clinical testing. Allele origin: germline. Inheritance: Autosomal dominant inheritance. Observed: 1 variant allele, 1 heterozygote.
Comment: This study involves interpretation of variants in research participants for the purpose of population health screening. Participant phenotype was not available at the time of variant classification. Additional details can be found in publication PMID: 35346344, PMCID: PMC8962531

Literature cited by the submitters: PubMed 30050099 (cited by Labcorp Genetics (formerly Invitae), Labcorp).